The following is an entry in ClinVar:

ClinVar aggregate classification (germline): Uncertain significance (1 of 4 stars; one submission).

Conditions:
Hereditary cancer-predisposing syndrome. Also called: Neoplastic Syndromes, Hereditary; Tumor predisposition; Hereditary neoplastic syndrome; Hereditary Cancer Syndrome. Identifiers: Orphanet 140162, MedGen C0027672, MeSH D009386, MONDO:0015356.

Submission:

Ambry Genetics
Classification: Uncertain significance for Hereditary cancer-predisposing syndrome. Last evaluated: 2026-07-08. Review status: criteria provided, single submitter. Criteria: Ambry Variant Classification Scheme 2023. Collection method: clinical testing. Allele origin: germline.
Comment: The p.Q260K variant (also known as c.778C>A), located in coding exon 7 of the APC gene, results from a C to A substitution at nucleotide position 778. The glutamine at codon 260 is replaced by lysine, an amino acid with similar properties. This amino acid position is conserved. In addition, in silico predictors for this gene do not accurately predict pathogenicity. Based on the available evidence, the clinical significance of this variant remains unclear.

NM_000038.6(APC):c.778C>A (p.Gln260Lys)

Gene: APC (APC regulator of Wnt signaling pathway; plus strand). Cytogenetic location: 5q22.2.
Variant type: single nucleotide variant.
Coding change: c.778C>A on transcript NM_000038.6 (MANE Select); coding-DNA position 778, C replaced by A.
Protein change: p.Gln260Lys; replaces glutamine 260 with lysine.
Molecular consequence: missense variant. On other transcripts: 5 prime UTR variant (4), non-coding transcript variant (2).
Genome position (GRCh38, 1-based): chr5:112,801,327, C>A. VCF-style: chr5-112801327-C-A. GRCh37 (hg19) VCF-style: chr5-112137024-C-A.
Other names: c.778C>A, p.Gln260Lys (NM_001127510.3, NM_001354895.2, NM_001354896.2 and 12 more transcripts); c.724C>A, p.Gln242Lys (NM_001127511.3); c.808C>A, p.Gln270Lys (NM_001354897.2, NM_001354902.2, NM_001407446.1); c.703C>A, p.Gln235Lys (NM_001354898.2, NM_001354904.2, NM_001407451.1); c.694C>A, p.Gln232Lys (NM_001354899.2, NM_001407452.1, NM_001407467.1 and 1 more transcripts); c.601C>A, p.Gln201Lys (NM_001354900.2, NM_001354901.2, NM_001354905.2 and 1 more transcripts); c.-258C>A (NM_001354906.2, NM_001407470.1, NM_001407471.1 and 1 more transcripts); short protein forms Q242K, Q201K, Q232K, Q235K, Q260K, Q270K.
Identifiers: ClinVar variation 5025318 (VCV005025318.1).